The following is an entry in ClinVar:

ClinVar aggregate classification (germline): Likely pathogenic (1 of 4 stars; one submission).

Submission:

GeneDx
Classification: Likely pathogenic. Last evaluated: 2018-05-25. Review status: criteria provided, single submitter. Criteria: GeneDx Variant Classification (06012015). Collection method: clinical testing. Allele origin: germline. Affected: yes.
Comment: The c.6492dupT variant in the NSD1 gene has not been published as a pathogenic variant, nor has it been reported as a benign variant to our knowledge. The c.6492dupT variant results in a nonsense variant at codon 2165, denoted D2165X. The variant is predicted to cause loss of normal protein function through protein truncation. However, no nonsense-mediated mRNA decay is predicted to occur, and only the final 532 amino acids are predicted to be lost. The variant is not observed in large population cohorts (Lek et al., 2016; 1000 Genomes Consortium et al., 2015; Exome Variant Server). In summary, we consider this variant to be likely pathogenic.

NM_022455.5(NSD1):c.6492dup (p.Asp2165Ter)

Gene: NSD1 (nuclear receptor binding SET domain protein 1; plus strand). Cytogenetic location: 5q35.3.
Variant type: Duplication.
Coding change: c.6492dup on transcript NM_022455.5 (MANE Select); coding-DNA position 6492, one base duplicated (T; older notation c.6492dupT).
Protein change: p.Asp2165Ter; replaces aspartic acid 2165 with a stop codon.
Molecular consequence: nonsense. On other transcripts: frameshift variant (12).
Genome position (GRCh38, 1-based): chr5:177,293,860, T duplicated. VCF-style (leftmost placement, unchanged base first): chr5-177293859-G-GT. GRCh37 (hg19) VCF-style: chr5-176720860-G-GT.
Other names: c.6492dupT (NM_022455.4); c.5619dup, p.Asp1874Terfs (NM_001365684.2, NM_001409308.1, NM_172349.5); c.6492dup, p.Asp2165Terfs (NM_001409301.1, NM_001409302.1, NM_001409303.1); c.6072dup, p.Asp2025Terfs (NM_001409304.1); c.5739dup, p.Asp1914Terfs (NM_001409305.1); c.5730dup, p.Asp1911Terfs (NM_001409306.1, NM_001409307.1); c.5370dup, p.Asp1791Terfs (NM_001409309.1); short protein forms D2165*, D1896*.
Identifiers: ClinVar variation 451046 (VCV000451046.2), dbSNP rs1554207244, ClinGen allele CA658655921.